The following is an entry in ClinVar:

ClinVar aggregate classification (germline): Uncertain significance. Review status: criteria provided, multiple submitters, no conflicts (2 of 4 stars). 4 submissions from 4 submitters: Uncertain significance (4). Last evaluated 2026-06-11.

Conditions:
PRPF31-related disorder. Also called: PRPF31-related condition.

Allele frequency attached by ClinVar (database versions not stated): gnomAD exomes below 0.00001.
gnomAD v4.1: 2 of 1,614,098 alleles (0.00012%); highest among the groups gnomAD compares: Non-Finnish European, 0.00017%; no homozygotes.

Submissions (4):

PreventionGenetics, part of Exact Sciences
Classification: Uncertain significance for PRPF31-related condition. Last evaluated: 2026-06-11. Review status: criteria provided, single submitter. Criteria: ACMG Guidelines, 2015. Collection method: clinical testing. Allele origin: germline.
Comment: The PRPF31 c.1451C>G variant is predicted to result in the amino acid substitution p.Ala484Gly. To our knowledge, this variant has not been reported in the literature. This variant is absent in a large population database, indicating this variant is rare. At this time, the clinical significance of this variant is uncertain due to the absence of conclusive functional and genetic evidence.

Labcorp Genetics (formerly Invitae), Labcorp
Classification: Uncertain significance. Last evaluated: 2025-06-07. Review status: criteria provided, single submitter. Criteria: Invitae Variant Classification Sherloc (09022015). Collection method: clinical testing. Allele origin: germline.
Comment: This sequence change replaces alanine, which is neutral and non-polar, with glycine, which is neutral and non-polar, at codon 484 of the PRPF31 protein (p.Ala484Gly). This variant is not present in population databases (gnomAD no frequency). This variant has not been reported in the literature in individuals affected with PRPF31-related conditions. ClinVar contains an entry for this variant (Variation ID: 866613). An algorithm developed to predict the effect of missense changes on protein structure and function (PolyPhen-2) suggests that this variant is likely to be tolerated. Algorithms developed to predict the effect of sequence changes on RNA splicing suggest that this variant may create or strengthen a splice site. In summary, the available evidence is currently insufficient to determine the role of this variant in disease. Therefore, it has been classified as a Variant of Uncertain Significance.

Blueprint Genetics
Classification: Uncertain significance. Last evaluated: 2022-10-28. Review status: criteria provided, single submitter. Criteria: ACMG Guidelines, 2015. Collection method: clinical testing. Allele origin: germline.

GeneDx
Classification: Uncertain significance. Last evaluated: 2019-05-07. Review status: criteria provided, single submitter. Criteria: GeneDx Variant Classification (06012015). Collection method: clinical testing. Allele origin: germline. Affected: yes.
Comment: Not observed in large population cohorts (Lek et al., 2016) Has not been previously published as pathogenic or benign to our knowledge In silico analysis, which includes splice predictors and evolutionary conservation, suggests this variant may impact gene splicing. In the absence of RNA/functional studies, the actual effect of this sequence change is unknown.

NM_015629.4(PRPF31):c.1451C>G (p.Ala484Gly)

Gene: PRPF31 (pre-mRNA processing factor 31; plus strand). Cytogenetic location: 19q13.42.
Variant type: single nucleotide variant.
Coding change: c.1451C>G on transcript NM_015629.4 (MANE Select); coding-DNA position 1451, C replaced by G.
Protein change: p.Ala484Gly; replaces alanine 484 with glycine.
Molecular consequence: missense variant.
Genome position (GRCh38, 1-based): chr19:54,131,383, C>G. VCF-style: chr19-54131383-C-G. GRCh37 (hg19) VCF-style: chr19-54634814-C-G.
Other names: short protein forms A484G.
Identifiers: ClinVar variation 866613 (VCV000866613.12), dbSNP rs981971618, ClinGen allele CA309332360.